The following is an entry in ClinVar:

NM_002769.5(PRSS1):c.468C>G (p.Asp156Glu)

Genes: PRSS1 (serine protease 1; plus strand), TRB (T cell receptor beta locus; plus strand). Cytogenetic location: 7q34.
Variant type: single nucleotide variant.
Coding change: c.468C>G on transcript NM_002769.5 (MANE Select); coding-DNA position 468, C replaced by G.
Protein change: p.Asp156Glu; replaces aspartic acid 156 with glutamic acid.
Molecular consequence: missense variant. On other transcripts: non-coding transcript variant (5).
Genome position (GRCh38, 1-based): chr7:142,752,444, C>G. VCF-style: chr7-142752444-C-G. GRCh37 (hg19) VCF-style: chr7-142460295-C-G.
Other names: short protein forms D156E.
Identifiers: ClinVar variation 1742447 (VCV001742447.8), dbSNP rs146076691, ClinGen allele CA369609420.

ClinVar aggregate classification (germline): Conflicting classifications of pathogenicity. Review status: criteria provided, conflicting classifications (1 of 4 stars). 3 submissions from 3 submitters: Uncertain significance (2); Likely benign (1). Last evaluated 2024-06-05.

Conditions:
Hereditary pancreatitis (PCTT). Also called: Hereditary chronic pancreatitis; PRSS1-Related Hereditary Pancreatitis. Identifiers: Orphanet 676, MedGen C0238339, MONDO:0008185, OMIM 167800.

Allele frequency attached by ClinVar (database versions not stated): gnomAD exomes below 0.00001.
gnomAD v4.1: 4 of 1,504,124 alleles (0.00027%); highest among the groups gnomAD compares: African/African-American, 0.0015%; no homozygotes.

Submissions (3):

Labcorp Genetics (formerly Invitae), Labcorp
Classification: Uncertain significance for Hereditary pancreatitis. Last evaluated: 2024-06-05. Review status: criteria provided, single submitter. Criteria: Invitae Variant Classification Sherloc (09022015). Collection method: clinical testing. Allele origin: germline.
Comment: This sequence change replaces aspartic acid, which is acidic and polar, with glutamic acid, which is acidic and polar, at codon 156 of the PRSS1 protein (p.Asp156Glu). The frequency data for this variant in the population databases is considered unreliable, as metrics indicate poor data quality at this position in the gnomAD database. This variant has not been reported in the literature in individuals affected with PRSS1-related conditions. ClinVar contains an entry for this variant (Variation ID: 1742447). Advanced modeling of protein sequence and biophysical properties (such as structural, functional, and spatial information, amino acid conservation, physicochemical variation, residue mobility, and thermodynamic stability) performed at Invitae indicates that this missense variant is not expected to disrupt PRSS1 protein function with a negative predictive value of 80%. In summary, the available evidence is currently insufficient to determine the role of this variant in disease. Therefore, it has been classified as a Variant of Uncertain Significance.

Ambry Genetics
Classification: Likely benign for Hereditary pancreatitis. Last evaluated: 2024-01-18. Review status: criteria provided, single submitter. Criteria: Ambry Variant Classification Scheme 2023. Collection method: clinical testing. Allele origin: germline.

Women's Health and Genetics/Laboratory Corporation of America, LabCorp
Classification: Uncertain significance. Last evaluated: 2023-09-27. Review status: criteria provided, single submitter. Criteria: LabCorp Variant Classification Summary - May 2015. Collection method: clinical testing. Allele origin: germline.